The following is an entry in ClinVar:

NM_033056.4(PCDH15):c.5650A>G (p.Arg1884Gly)

Gene: PCDH15 (protocadherin related 15; minus strand). Cytogenetic location: 10q21.1.
Variant type: single nucleotide variant.
Coding change: c.5650A>G on transcript NM_033056.4 (MANE Plus Clinical); coding-DNA position 5650, A replaced by G.
Protein change: p.Arg1884Gly; replaces arginine 1884 with glycine.
Molecular consequence: missense variant. On other transcripts: intron variant (8).
Genome position (GRCh38, 1-based): chr10:53,822,076, T>C on the plus strand (A>G on the coding strand, the complement: PCDH15 is on the minus strand). VCF-style: chr10-53822076-T-C. GRCh37 (hg19) VCF-style: chr10-55581836-T-C.
Other names: c.5671A>G, p.Arg1891Gly (NM_001142763.2); c.5656A>G, p.Arg1886Gly (NM_001142764.2); c.5443A>G, p.Arg1815Gly (NM_001142765.2); c.5641A>G, p.Arg1881Gly (NM_001142766.2); c.5530A>G, p.Arg1844Gly (NM_001142767.2); c.5590A>G, p.Arg1864Gly (NM_001142768.2); c.5581A>G, p.Arg1861Gly (NM_001142773.2); c.5584A>G, p.Arg1862Gly (NM_001354404.2); and 7 more; short protein forms R1815G, R1864G, R1861G, R1881G, R1884G, R1886G, R1844G, R1862G.
Identifiers: ClinVar variation 931469 (VCV000931469.3), dbSNP rs2076305966, ClinGen allele CA376524522.

ClinVar aggregate classification (germline): Uncertain significance (1 of 4 stars; one submission).

Conditions:
Usher syndrome type 1D (USH1D). Also called: USHER SYNDROME, TYPE ID. Identifiers: Orphanet 231169, Orphanet 886, MedGen C1832845, MONDO:0010984, OMIM 601067.

Allele frequency attached by ClinVar (database versions not stated): gnomAD exomes below 0.00001.
gnomAD v4.1: 1 of 1,614,106 alleles (0.000062%); highest among the groups gnomAD compares: Non-Finnish European, 0.000085%; no homozygotes.

Submission:

Centre for Mendelian Genomics, University Medical Centre Ljubljana
Classification: Uncertain significance for Usher syndrome type 1D. Last evaluated: 2016-01-01. Review status: criteria provided, single submitter. Criteria: ACMG Guidelines, 2015. Collection method: clinical testing. Allele origin: unknown. Affected: yes.
Comment: This variant was classified as: Uncertain significance. The following ACMG criteria were applied in classifying this variant: PM2,PP3.